The following is an entry in ClinVar:

ClinVar aggregate classification (germline): Uncertain significance (1 of 4 stars; one submission).

Conditions:
Gastrointestinal stromal tumor. Also called: Gastrointestinal stromal tumor, somatic; Gastrointestinal stroma tumor. Identifiers: Orphanet 44890, MedGen C0238198, MeSH D046152, MONDO:0011719, OMIM 606764, HP:0100723.

Submission:

Labcorp Genetics (formerly Invitae), Labcorp
Classification: Uncertain significance for Gastrointestinal stromal tumor. Last evaluated: 2019-07-02. Review status: criteria provided, single submitter. Criteria: Invitae Variant Classification Sherloc (09022015). Collection method: clinical testing. Allele origin: germline.
Comment: In summary, the available evidence is currently insufficient to determine the role of this variant in disease. Therefore, it has been classified as a Variant of Uncertain Significance. Algorithms developed to predict the effect of missense changes on protein structure and function are either unavailable or do not agree on the potential impact of this missense change (SIFT: "Deleterious"; PolyPhen-2: "Benign"; Align-GVGD: "Class C0"). This variant has not been reported in the literature in individuals with KIT-related disease. This variant is not present in population databases (ExAC no frequency). This sequence change replaces threonine with isoleucine at codon 932 of the KIT protein (p.Thr932Ile). The threonine residue is moderately conserved and there is a moderate physicochemical difference between threonine and isoleucine.

NM_000222.3(KIT):c.2795C>T (p.Thr932Ile)

Gene: KIT (KIT proto-oncogene, receptor tyrosine kinase; plus strand). Cytogenetic location: 4q12.
Variant type: single nucleotide variant.
Coding change: c.2795C>T on transcript NM_000222.3 (MANE Select); coding-DNA position 2795, C replaced by T.
Protein change: p.Thr932Ile; replaces threonine 932 with isoleucine.
Molecular consequence: missense variant.
Genome position (GRCh38, 1-based): chr4:54,737,273, C>T. VCF-style: chr4-54737273-C-T. GRCh37 (hg19) VCF-style: chr4-55603439-C-T.
Other names: c.2783C>T, p.Thr928Ile (NM_001093772.2, NM_001385292.1); c.2798C>T, p.Thr933Ile (NM_001385284.1); c.2792C>T, p.Thr931Ile (NM_001385285.1); c.2780C>T, p.Thr927Ile (NM_001385286.1); c.2786C>T, p.Thr929Ile (NM_001385288.1); c.2795C>T, p.Thr932Ile (NM_001385290.1); short protein forms T932I, T928I, T927I, T929I, T931I, T933I.
Identifiers: ClinVar variation 576889 (VCV000576889.11), dbSNP rs1553893597, ClinGen allele CA356914595.